The following is an entry in ClinVar:

NM_000368.5(TSC1):c.159C>A (p.Ser53Arg)

Gene: TSC1 (TSC complex subunit 1; minus strand). Cytogenetic location: 9q34.13.
Variant type: single nucleotide variant.
Coding change: c.159C>A on transcript NM_000368.5 (MANE Select); coding-DNA position 159, C replaced by A.
Protein change: p.Ser53Arg; replaces serine 53 with arginine.
Molecular consequence: missense variant. On other transcripts: 5 prime UTR variant (9), non-coding transcript variant (4), intron variant (9).
Genome position (GRCh38, 1-based): chr9:132,927,252, G>T on the plus strand (C>A on the coding strand, the complement: TSC1 is on the minus strand). VCF-style: chr9-132927252-G-T. GRCh37 (hg19) VCF-style: chr9-135802639-G-T.
Other names: c.-297C>A (NM_001406616.1, NM_001406624.1); c.-330C>A (NM_001406623.1, NM_001406615.1); c.-719C>A (NM_001406626.1, NM_001406627.1, NM_001406628.1); c.-861C>A (NM_001406629.1); c.-935C>A (NM_001406630.1); c.-153-1513C>A (NM_001406620.1, NM_001406618.1, NM_001406625.1 and 5 more transcripts); c.-245-1513C>A (NM_001406614.1); c.159C>A, p.Ser53Arg (NM_001162426.2, NM_001162427.2, NM_001406592.1 and 21 more transcripts); short protein forms S53R.
Identifiers: ClinVar variation 3231274 (VCV003231274.1), dbSNP rs756335238, ClinGen allele CA375375128.

ClinVar aggregate classification (germline): Uncertain significance (1 of 4 stars; one submission).

Conditions:
Hereditary cancer-predisposing syndrome. Also called: Neoplastic Syndromes, Hereditary; Tumor predisposition; Hereditary neoplastic syndrome; Hereditary Cancer Syndrome. Identifiers: Orphanet 140162, MedGen C0027672, MeSH D009386, MONDO:0015356.

Submission:

Ambry Genetics
Classification: Uncertain significance for Hereditary cancer-predisposing syndrome. Last evaluated: 2024-01-30. Review status: criteria provided, single submitter. Criteria: Ambry Variant Classification Scheme 2023. Collection method: clinical testing. Allele origin: germline.
Comment: The p.S53R variant (also known as c.159C>A), located in coding exon 2 of the TSC1 gene, results from a C to A substitution at nucleotide position 159. The serine at codon 53 is replaced by arginine, an amino acid with dissimilar properties. This amino acid position is conserved. In addition, this alteration is predicted to be tolerated by in silico analysis. Based on the available evidence, the clinical significance of this alteration remains unclear.